The following is an entry in ClinVar:

NM_002168.4(IDH2):c.386AGA[1] (p.Lys130del)

Gene: IDH2 (isocitrate dehydrogenase (NADP(+)) 2; minus strand). Cytogenetic location: 15q26.1.
Variant type: Microsatellite.
Coding change: c.386AGA[1] on transcript NM_002168.4 (MANE Select); one copy of the 3-base unit AGA starting at c.386; the reference has two copies in a row; one copy, 3 bases deleted.
Protein change: p.Lys130del; deletes lysine 130.
Molecular consequence: inframe deletion. On other transcripts: initiator codon variant (2).
Genome position (GRCh38, 1-based): chr15:90,088,730-90,088,732, TCT deleted on the plus strand (AGA on the coding strand, the reverse complement: IDH2 is on the minus strand); deleting any 3 consecutive bases within chr15:90,088,730-90,088,737 gives the same sequence; the position shown is the placement nearest the transcript's 3' end. VCF-style (leftmost placement, unchanged base first): chr15-90088729-ATCT-A. GRCh37 (hg19) VCF-style: chr15-90631961-ATCT-A.
Other names: c.-2_1del (NM_001290114.2); c.230AGA[1], p.Lys78del (NM_001289910.1); c.-5AGA[1], p.Met1del (NM_001290114.2); short protein forms K130del, K78del, M1del.
Identifiers: ClinVar variation 4886331 (VCV004886331.2).

ClinVar aggregate classification (germline): Uncertain significance (1 of 4 stars; one submission).

Submission:

Dasa
Classification: Uncertain significance. Last evaluated: 2024-11-28. Review status: criteria provided, single submitter. Criteria: DASA Assertion Criteria. Collection method: clinical testing. Allele origin: germline.
Comment: NM_001290114.2(IDH2):c.-2_1del (p.Met1?) is a start-loss variant predicted to alter the translation initiation codon and impair normal protein translation. This variant is absent from population databases. The currently available literature and clinical evidence are not sufficient to establish a definitive association between this variant and the reported condition. Therefore, this variant is classified as a variant of uncertain significance.